The following is an entry in ClinVar:

NC_012920.1(MT-ND4):m.11906G>A

Gene: MT-ND4 (mitochondrially encoded NADH dehydrogenase 4; plus strand).
Variant type: single nucleotide variant.
Genome position: chrM-11906-G-A.
Identifiers: ClinVar variation 693383 (VCV000693383.1), dbSNP rs1603223460, ClinGen allele CA414811610.
Genomic context (GRCh38, chrMT:11,906, plus strand): 5'-AGCCTCGCTAACCTCGCCTTACCCCCCACTATTAACCTACTGGGAGAACTCTCTGTGCTA[G>A]TAACCACGTTCTCCTGATCAAATATCACTCTCCTACTTACAGGACTCAACATACTAGTCA-3'

ClinVar aggregate classification (germline): Uncertain significance (1 of 4 stars; one submission).

Conditions:
Leigh syndrome (NULS). Also called: Leigh's necrotizing encephalopathy; Leigh's disease; Leigh Syndrome (mtDNA deletion); Leigh Disease; Subacute necrotizing encephalopathy; Necrotizing encephalopathy infantile subacute of Leigh. Identifiers: Orphanet 506, MedGen C2931891, MONDO:0009723, OMIM 256000.

Submission:

Wong Mito Lab, Molecular and Human Genetics, Baylor College of Medicine
Classification: Uncertain significance for Leigh syndrome. Last evaluated: 2019-10-17. Review status: criteria provided, single submitter. Criteria: Modified ACMG Guidelines (Unpublished). Collection method: clinical testing. Allele origin: germline.
Comment: The NC_012920.1:m.11906G>A (YP_003024035.1:p.Val383Met) variant in MTND4 gene is interpretated to be a Uncertain Significance variant based on the modified ACMG guidelines (unpublished). This variant meets the following evidence codes: PP6, BP4